The following is an entry in ClinVar:

NC_000007.14:g.(?_55205246)_(55206391_?)del

Gene: EGFR (epidermal growth factor receptor; plus strand). Cytogenetic location: 7p11.2.
Variant type: Deletion.
Identifiers: ClinVar variation 832536 (VCV000832536.5).

ClinVar aggregate classification (germline): Uncertain significance (1 of 4 stars; one submission).

Conditions:
EGFR-related lung cancer (EGFR). Identifiers: MedGen CN130014.

Submission:

Labcorp Genetics (formerly Invitae), Labcorp
Classification: Uncertain significance for EGFR-related lung cancer. Last evaluated: 2019-12-13. Review status: criteria provided, single submitter. Criteria: Invitae Variant Classification Sherloc (09022015). Collection method: clinical testing. Allele origin: germline.
Comment: In summary, the available evidence is currently insufficient to determine the role of this variant in disease. Therefore, it has been classified as a Variant of Uncertain Significance. Experimental studies and prediction algorithms are not available or were not evaluated, and the functional significance of this variant is currently unknown. This variant has not been reported in the literature in individuals with EGFR-related conditions. This variant is a gross deletion of the genomic region encompassing exons 28 of the EGFR gene. The 5' boundary is likely confined to intron 27. The 3' end of this event is unknown as it extends through the termination codon beyond the assayed region for this gene and may encompass additional genes. While this deletion is not anticipated to result in nonsense mediated decay, it is expected to create a truncated protein product or disrupt mRNA translation.